The following is an entry in ClinVar:

ClinVar aggregate classification (germline): Likely pathogenic (1 of 4 stars; one submission).

Conditions:
Congenital glaucoma. Identifiers: MedGen C0020302, MONDO:0020366.

Submission:

Labcorp Genetics (formerly Invitae), Labcorp
Classification: Likely pathogenic for Congenital glaucoma. Last evaluated: 2024-02-16. Review status: criteria provided, single submitter. Criteria: Invitae Variant Classification Sherloc (09022015). Collection method: clinical testing. Allele origin: germline.
Comment: This sequence change affects a splice site in intron 2 of the CYP1B1 gene. It is expected to disrupt RNA splicing. Variants that disrupt the donor or acceptor splice site typically lead to a loss of protein function (PMID: 16199547), and loss-of-function variants in CYP1B1 are known to be pathogenic (PMID: 9097971, 9497261, 19234632). This variant is present in population databases (rs762178467, gnomAD 0.004%). This variant has not been reported in the literature in individuals affected with CYP1B1-related conditions. Algorithms developed to predict the effect of sequence changes on RNA splicing suggest that this variant may disrupt the consensus splice site. In summary, the currently available evidence indicates that the variant is pathogenic, but additional data are needed to prove that conclusively. Therefore, this variant has been classified as Likely Pathogenic.

Literature cited by the submitters: PubMed 16199547; PubMed 9097971; PubMed 9497261; PubMed 19234632.

NM_000104.4(CYP1B1):c.1043+2_1043+6del

Gene: CYP1B1 (cytochrome P450 family 1 subfamily B member 1; minus strand). Cytogenetic location: 2p22.2.
Variant type: Deletion.
Coding change: c.1043+2_1043+6del on transcript NM_000104.4 (MANE Select); the canonical splice donor site of the intron after coding-DNA position 1043 through 6 bases into the intron after coding-DNA position 1043, 5 bases deleted (TAAAG; older notation c.1043+2_1043+6delTAAAG).
Molecular consequence: splice donor variant.
Genome position (GRCh38, 1-based): chr2:38,074,340-38,074,344, CTTTA deleted on the plus strand (TAAAG on the coding strand, the reverse complement: CYP1B1 is on the minus strand); deleting any 5 consecutive bases within chr2:38,074,340-38,074,345 gives the same sequence; the c. name uses the placement nearest the transcript's 3' end. VCF-style (leftmost placement, unchanged base first): chr2-38074339-GCTTTA-G. GRCh37 (hg19) VCF-style: chr2-38301482-GCTTTA-G.
Identifiers: ClinVar variation 2972048 (VCV002972048.3), dbSNP rs762178467, ClinGen allele CA1619892.